The following is an entry in ClinVar:

NM_001267550.2(TTN):c.28741A>G (p.Ile9581Val)

Gene: TTN (titin; minus strand). Cytogenetic location: 2q31.2.
Variant type: single nucleotide variant.
Coding change: c.28741A>G on transcript NM_001267550.2 (MANE Select); coding-DNA position 28741, A replaced by G.
Protein change: p.Ile9581Val; replaces isoleucine 9581 with valine.
Molecular consequence: missense variant. On other transcripts: intron variant (3).
Genome position (GRCh38, 1-based): chr2:178,709,578, T>C on the plus strand (A>G on the coding strand, the complement: TTN is on the minus strand). VCF-style: chr2-178709578-T-C. GRCh37 (hg19) VCF-style: chr2-179574305-T-C.
Other names: p.I9264V:ATC>GTC; c.13282+28504A>G (NM_003319.4); c.13858+28504A>G (NM_133437.4); c.13657+28504A>G (NM_133432.3); c.28741A>G (NM_001267550.1); c.27790A>G, p.Ile9264Val (NM_001256850.1); c.25009A>G, p.Ile8337Val (NM_133378.4); short protein forms I8337V, I9581V, I9264V.
Identifiers: ClinVar variation 178232 (VCV000178232.53), dbSNP rs371826762, ClinGen allele CA181857.
Genomic context (GRCh38, chr2:178,709,578, plus strand): 5'-AGGCAGTGAAGAAAAACACAACAGGTTGGGGCTGTGAGGATAACTCACCTTTGATGACGA[T>C]TGAAGACGTGCACAGAGCAGAGCCTGCATCATTGGACACTTTGCATGTGTACAAACCAGC-3'
Protein context (NP_001254479.2, residues 9571-9591): DAGSALCTSS[Ile9581Val]VIKEPKKPPV

ClinVar aggregate classification (germline): Conflicting classifications of pathogenicity. Review status: criteria provided, conflicting classifications (1 of 4 stars). 17 submissions from 13 submitters: Uncertain significance (7); Benign (4); Likely benign (5). 1 of the submissions does not count toward it. Last evaluated 2026-08-01.

Conditions:
TTN-related disorder. Also called: TTN-related disorders; TTN-related condition; TTN-related disease.
Autosomal recessive limb-girdle muscular dystrophy type 2J (LGMDR10). Also called: Limb-girdle muscular dystrophy, type 2J; MUSCULAR DYSTROPHY, LIMB-GIRDLE, AUTOSOMAL RECESSIVE 10. Identifiers: Orphanet 140922, MedGen C1837342, MONDO:0012127, OMIM 608807.
Dilated cardiomyopathy 1G (CMD1G). Identifiers: Orphanet 154, MedGen C1858763, MONDO:0011400, OMIM 604145.
Early-onset myopathy with fatal cardiomyopathy (CMYO5). Also called: Salih Myopathy; CONGENITAL MYOPATHY 5 WITH CARDIOMYOPATHY. Identifiers: Orphanet 289377, MedGen C2673677, MONDO:0012714, OMIM 611705. Disease mechanism: loss of function.
Myopathy, myofibrillar, 9, with early respiratory failure (MFM9). Also called: Myopathy, distal, with early respiratory failure, autosomal dominant; EDSTROM MYOPATHY; MYOPATHY, PROXIMAL, WITH EARLY RESPIRATORY MUSCLE INVOLVEMENT; Hereditary myopathy with early respiratory failure. Identifiers: Orphanet 178464, Orphanet 34521, MedGen C1863599, MONDO:0011362, OMIM 603689.
Tibial muscular dystrophy (TMD). Also called: Udd Distal Myopathy – Tibial Muscular Dystrophy; UDD MYOPATHY; Tibial muscular dystrophy, tardive. Identifiers: Orphanet 609, MedGen C1838244, MONDO:0010870, OMIM 600334.
Supraventricular tachycardia. Identifiers: MedGen C0039240, HP:0004755.

Allele frequency attached by ClinVar (database versions not stated): ExAC 0.00015; ESP Exome Variant Server 0.00016; gnomAD 0.00016 and 0.00017; gnomAD exomes 0.00017; TOPMed 0.00018.
gnomAD v4.1: 289 of 1,605,922 alleles (0.018%); highest among the groups gnomAD compares: Middle Eastern, 0.65%; no homozygotes.

Submissions (17):

CeGaT Center for Human Genetics Tuebingen
Classification: Likely benign. Last evaluated: 2026-08-01. Review status: criteria provided, single submitter. Criteria: CeGaT Center For Human Genetics Tuebingen Variant Classification Criteria Version 2. Collection method: clinical testing. Allele origin: germline. Affected: yes. Observed: 12 variant alleles.
Comment: TTN: BP4

Molecular Diagnostic Laboratory for Inherited Cardiovascular Disease, Montreal Heart Institute
Classification: Likely benign. Last evaluated: 2025-04-09. Review status: criteria provided, single submitter. Criteria: ACMG Guidelines, 2015. Collection method: clinical testing. Allele origin: germline. Affected: no.

Blueprint Genetics
Classification: Likely benign. Last evaluated: 2024-11-25. Review status: criteria provided, single submitter. Criteria: ACMG Guidelines, 2015. Collection method: clinical testing. Allele origin: germline.

Women's Health and Genetics/Laboratory Corporation of America, LabCorp
Classification: Uncertain significance. Last evaluated: 2024-10-28. Review status: criteria provided, single submitter. Criteria: LabCorp Variant Classification Summary - May 2015. Collection method: clinical testing. Allele origin: germline.
Comment: Variant summary: TTN c.25009A>G (p.Ile8337Val) results in a conservative amino acid change in the encoded protein sequence. Two of three in-silico tools predict a benign effect of the variant on protein function. The variant allele was found at a frequency of 0.00017 in 247902 control chromosomes. This frequency is not significantly higher than estimated for a pathogenic variant in TTN causing Dilated Cardiomyopathy (0.00017 vs 0.00039), allowing no conclusion about variant significance. c.25009A>G has been reported in the literature, together with another TTN missense variant as well as two variants in other genes, in an individual affected with Sudden Explained Cardiac Death (Coll_2022). These report(s) do not provide unequivocal conclusions about association of the variant with Dilated Cardiomyopathy. To our knowledge, no experimental evidence demonstrating an impact on protein function has been reported. The following publication have been ascertained in the context of this evaluation (PMID: 36293497). ClinVar contains an entry for this variant (Variation ID: 178232). Based on the evidence outlined above, the variant was classified as uncertain significance.

Athena Diagnostics
Classification: Benign. Last evaluated: 2023-12-18. Review status: criteria provided, single submitter. Criteria: Athena Diagnostics Criteria. Collection method: clinical testing. Allele origin: unknown.

GeneDx
Classification: Benign. Last evaluated: 2020-03-10. Review status: criteria provided, single submitter. Criteria: GeneDx Variant Classification Process June 2021. Collection method: clinical testing. Allele origin: germline. Affected: yes.

Center for Advanced Laboratory Medicine, UC San Diego Health, University of California San Diego
Classification: Likely benign for Supraventricular tachycardia. Last evaluated: 2018-07-16. Review status: criteria provided, single submitter. Criteria: ACMG Guidelines, 2015. Collection method: clinical testing. Allele origin: germline. Affected: yes. Observed: 1 variant allele.

Illumina Laboratory Services, Illumina
Classification: Benign for Tibial muscular dystrophy. Last evaluated: 2018-01-12. Review status: criteria provided, single submitter. Criteria: ICSL Variant Classification Criteria 13 December 2019. Collection method: clinical testing. Allele origin: germline.
Comment: This variant was observed in the ICSL laboratory as part of a predisposition screen in an ostensibly healthy population. It had not been previously curated by ICSL or reported in the Human Gene Mutation Database (HGMD: prior to June 1st, 2018), and was therefore a candidate for classification through an automated scoring system. Utilizing variant allele frequency, disease prevalence and penetrance estimates, and inheritance mode, an automated score was calculated to assess if this variant is too frequent to cause the disease. Based on the score and internal cut-off values, a variant classified as benign is not then subjected to further curation. The score for this variant resulted in a classification of benign for this disease.

Illumina Laboratory Services, Illumina
Classification: Uncertain significance for Dilated cardiomyopathy 1G. Last evaluated: 2018-01-12. Review status: criteria provided, single submitter. Criteria: ICSL Variant Classification Criteria 13 December 2019. Collection method: clinical testing. Allele origin: germline.

Illumina Laboratory Services, Illumina
Classification: Benign for Myopathy, myofibrillar, 9, with early respiratory failure. Last evaluated: 2018-01-12. Review status: criteria provided, single submitter. Criteria: ICSL Variant Classification Criteria 13 December 2019. Collection method: clinical testing. Allele origin: germline.
Comment: the same text as in the submission from Illumina Laboratory Services, Illumina above.

Illumina Laboratory Services, Illumina
Classification: Uncertain significance for Early-onset myopathy with fatal cardiomyopathy. Last evaluated: 2018-01-12. Review status: criteria provided, single submitter. Criteria: ICSL Variant Classification Criteria 13 December 2019. Collection method: clinical testing. Allele origin: germline.

Illumina Laboratory Services, Illumina
Classification: Uncertain significance for Autosomal recessive limb-girdle muscular dystrophy type 2J. Last evaluated: 2018-01-12. Review status: criteria provided, single submitter. Criteria: ICSL Variant Classification Criteria 13 December 2019. Collection method: clinical testing. Allele origin: germline.

Eurofins Ntd Llc (ga)
Classification: Uncertain significance. Last evaluated: 2018-01-09. Review status: criteria provided, single submitter. Criteria: EGL Classification Definitions 2015. Collection method: clinical testing. Allele origin: germline. Observed: 10 variant alleles, 10 heterozygotes.

Labcorp Genetics (formerly Invitae), Labcorp
Classification: Uncertain significance for Dilated cardiomyopathy 1G; Autosomal recessive limb-girdle muscular dystrophy type 2J. Last evaluated: 2017-06-13. Review status: criteria provided, single submitter. Criteria: Invitae Variant Classification Sherloc (09022015). Collection method: clinical testing. Allele origin: germline.

Mayo Clinic Laboratories, Mayo Clinic
Classification: Uncertain significance for Autosomal recessive limb-girdle muscular dystrophy type 2J. Last evaluated: 2017-03-10. Review status: criteria provided, single submitter. Criteria: ACMG Guidelines, 2015. Collection method: clinical testing. Allele origin: maternal.

Laboratory for Molecular Medicine, Mass General Brigham Personalized Medicine
Classification: Likely benign. Last evaluated: 2016-03-03. Review status: criteria provided, single submitter. Criteria: LMM Criteria. Collection method: clinical testing. Allele origin: germline. Observed: 2 variant alleles.
Comment: p.Ile8337Val in exon 96 of TTN: This variant is not expected to have clinical si gnificance due to a lack of conservation across species, including mammals. Of n ote, 9 mammals have a valine (Val) at this position despite high nearby amino ac id conservation. Computational tools suggest this variant may introduce a novel splice site; however, this information is not predictive enough to determine pat hogenicity. This variant has also been identified in 16/65898 European chromosom es by the Exome Aggregation Consortium (ExAC; d bSNP rs371826762).

PreventionGenetics, part of Exact Sciences
Classification: Likely benign for TTN-related condition. Last evaluated: 2022-09-15. Review status: no assertion criteria provided. Collection method: clinical testing. Allele origin: germline. Not counted in ClinVar's aggregate classification.
Comment: This variant is classified as likely benign based on ACMG/AMP sequence variant interpretation guidelines (Richards et al. 2015 PMID: 25741868, with internal and published modifications).

Literature cited by the submitters: PubMed 36293497 (cited by Women's Health and Genetics/Laboratory Corporation of America, LabCorp and Athena Diagnostics).